The following is an entry in ClinVar:

ClinVar aggregate classification (germline): Uncertain significance (1 of 4 stars; one submission).

Allele frequency attached by ClinVar (database versions not stated): gnomAD exomes below 0.00001 and 0.00001; ExAC 0.00002; TOPMed 0.00002; gnomAD 0.00003 and 0.00004.
gnomAD v4.1: 11 of 1,613,510 alleles (0.00068%); highest among the groups gnomAD compares: Non-Finnish European, 0.00093%; no homozygotes.

Submission:

Labcorp Genetics (formerly Invitae), Labcorp
Classification: Uncertain significance. Last evaluated: 2024-06-12. Review status: criteria provided, single submitter. Criteria: Invitae Variant Classification Sherloc (09022015). Collection method: clinical testing. Allele origin: germline.
Comment: This sequence change replaces alanine, which is neutral and non-polar, with valine, which is neutral and non-polar, at codon 288 of the FZD4 protein (p.Ala288Val). This variant is present in population databases (rs750040956, gnomAD 0.002%). This variant has not been reported in the literature in individuals affected with FZD4-related conditions. ClinVar contains an entry for this variant (Variation ID: 1502652). Advanced modeling of protein sequence and biophysical properties (such as structural, functional, and spatial information, amino acid conservation, physicochemical variation, residue mobility, and thermodynamic stability) performed at Invitae indicates that this missense variant is not expected to disrupt FZD4 protein function with a negative predictive value of 80%. In summary, the available evidence is currently insufficient to determine the role of this variant in disease. Therefore, it has been classified as a Variant of Uncertain Significance.

NM_012193.4(FZD4):c.863C>T (p.Ala288Val)

Genes: FZD4 (frizzled class receptor 4; minus strand), PRSS23 (serine protease 23; plus strand). Cytogenetic location: 11q14.2.
Variant type: single nucleotide variant.
Coding change: c.863C>T on transcript NM_012193.4 (MANE Select); coding-DNA position 863, C replaced by T.
Protein change: p.Ala288Val; replaces alanine 288 with valine.
Molecular consequence: missense variant. On other transcripts: non-coding transcript variant (2).
Genome position (GRCh38, 1-based): chr11:86,951,893, G>A on the plus strand (C>T on the coding strand, the complement: FZD4 is on the minus strand). VCF-style: chr11-86951893-G-A. GRCh37 (hg19) VCF-style: chr11-86662935-G-A.
Other names: short protein forms A288V.
Identifiers: ClinVar variation 1502652 (VCV001502652.8), dbSNP rs750040956, ClinGen allele CA6218404.